The following is an entry in ClinVar:

NM_004006.3(DMD):c.4187A>G (p.Tyr1396Cys)

Gene: DMD (dystrophin; minus strand). Cytogenetic location: Xp21.1.
Variant type: single nucleotide variant.
Coding change: c.4187A>G on transcript NM_004006.3 (MANE Select); coding-DNA position 4187, A replaced by G.
Protein change: p.Tyr1396Cys; replaces tyrosine 1396 with cysteine.
Molecular consequence: missense variant.
Genome position (GRCh38, 1-based): chrX:32,411,798, T>C on the plus strand (A>G on the coding strand, the complement: DMD is on the minus strand). VCF-style: chrX-32411798-T-C. GRCh37 (hg19) VCF-style: chrX-32429915-T-C.
Other names: c.4163A>G, p.Tyr1388Cys (NM_000109.4); c.4175A>G, p.Tyr1392Cys (NM_004009.3); c.3818A>G, p.Tyr1273Cys (NM_004010.3); c.164A>G, p.Tyr55Cys (NM_004011.4); c.155A>G, p.Tyr52Cys (NM_004012.4); short protein forms Y1273C, Y1392C, Y1396C, Y1388C, Y52C, Y55C.
Identifiers: ClinVar variation 1738534 (VCV001738534.9), dbSNP rs1285175554, ClinGen allele CA412666202.
Genomic context (GRCh38, chrX:32,411,798, plus strand): 5'-CCAGATGTACTTGCCTGGGCTTCCTGAGGCATTTGAGCTGCGTCCACCTTGTCTGCAATA[T>C]AAGCTGCCAACTGCTTGTCAATGAATGTGAGGGACTCCTGGATTAAGTGTAAGGATTTTT-3'
Protein context (NP_003997.2, residues 1386-1406): LTFIDKQLAA[Tyr1396Cys]IADKVDAAQM

ClinVar aggregate classification (germline): Conflicting classifications of pathogenicity. Review status: criteria provided, conflicting classifications (1 of 4 stars). 2 submissions from 2 submitters: Uncertain significance (1); Likely benign (1). Last evaluated 2025-10-08.

Conditions:
Cardiovascular phenotype. Identifiers: MedGen CN230736.
Duchenne muscular dystrophy (DMD). Also called: MUSCULAR DYSTROPHY, PSEUDOHYPERTROPHIC PROGRESSIVE, DUCHENNE TYPE; Duchenne Muscular Dystrophy (DMD). Identifiers: Orphanet 98896, MedGen C0013264, MONDO:0010679, OMIM 310200.

Allele frequency attached by ClinVar (database versions not stated): gnomAD exomes 0.00001; TOPMed 0.00001.
gnomAD v4.1: 12 of 1,211,595 alleles (0.00099%); highest among the groups gnomAD compares: Non-Finnish European, 0.0011%; no homozygotes.

Submissions (2):

Ambry Genetics
Classification: Likely benign for Cardiovascular phenotype. Last evaluated: 2025-10-08. Review status: criteria provided, single submitter. Criteria: Ambry Variant Classification Scheme 2023. Collection method: clinical testing. Allele origin: germline.

Labcorp Genetics (formerly Invitae), Labcorp
Classification: Uncertain significance for Duchenne muscular dystrophy. Last evaluated: 2023-05-13. Review status: criteria provided, single submitter. Criteria: Invitae Variant Classification Sherloc (09022015). Collection method: clinical testing. Allele origin: germline.
Comment: This variant is not present in population databases (gnomAD no frequency). This variant has not been reported in the literature in individuals affected with DMD-related conditions. ClinVar contains an entry for this variant (Variation ID: 1738534). This sequence change replaces tyrosine, which is neutral and polar, with cysteine, which is neutral and slightly polar, at codon 1396 of the DMD protein (p.Tyr1396Cys). Advanced modeling of protein sequence and biophysical properties (such as structural, functional, and spatial information, amino acid conservation, physicochemical variation, residue mobility, and thermodynamic stability) performed at Invitae indicates that this missense variant is not expected to disrupt DMD protein function. In summary, the available evidence is currently insufficient to determine the role of this variant in disease. Therefore, it has been classified as a Variant of Uncertain Significance.